The following is an entry in ClinVar:

ClinVar aggregate classification (germline): Likely benign (1 of 4 stars; one submission).

Conditions:
Leigh syndrome (NULS). Also called: Leigh's necrotizing encephalopathy; Leigh's disease; Leigh Syndrome (mtDNA deletion); Leigh Disease; Subacute necrotizing encephalopathy; Necrotizing encephalopathy infantile subacute of Leigh. Identifiers: Orphanet 506, MedGen C2931891, MONDO:0009723, OMIM 256000.

Submission:

Wong Mito Lab, Molecular and Human Genetics, Baylor College of Medicine
Classification: Likely benign for Leigh syndrome. Last evaluated: 2019-10-17. Review status: criteria provided, single submitter. Criteria: Modified ACMG Guidelines (Unpublished). Collection method: clinical testing. Allele origin: germline.
Comment: The NC_012920.1:m.9490C>T (YP_003024032.1:p.Ala95Val) variant in MTCO3 gene is interpretated to be a Likely Benign variant based on the modified ACMG guidelines (unpublished). This variant meets the following evidence codes: BS1, BP4

NC_012920.1(MT-CO3):m.9490C>T

Gene: MT-CO3 (mitochondrially encoded cytochrome c oxidase III; plus strand).
Variant type: single nucleotide variant.
Genome position: chrM-9490-C-T.
Identifiers: ClinVar variation 693176 (VCV000693176.1), dbSNP rs1603222345, ClinGen allele CA414803059.